The following is an entry in ClinVar:

NM_004646.4(NPHS1):c.105G>A (p.Trp35Ter)

Genes: KIRREL2 (kirre like nephrin family adhesion molecule 2; plus strand), NPHS1 (NPHS1 adhesion molecule, nephrin; minus strand). Cytogenetic location: 19q13.12.
Variant type: single nucleotide variant.
Coding change: c.105G>A on transcript NM_004646.4 (MANE Select); coding-DNA position 105, G replaced by A.
Protein change: p.Trp35Ter; replaces tryptophan 35 with a stop codon.
Molecular consequence: nonsense.
Genome position (GRCh38, 1-based): chr19:35,851,626, C>T on the plus strand (G>A on the coding strand, the complement: NPHS1 is on the minus strand). VCF-style: chr19-35851626-C-T. GRCh37 (hg19) VCF-style: chr19-36342528-C-T.
Other names: short protein forms W35*.
Identifiers: ClinVar variation 1378967 (VCV001378967.8), dbSNP rs1450477596, ClinGen allele CA405412314.
Genomic context (GRCh38, chr19:35,851,626, plus strand): 5'-GACCCCACAACGCAGCTCCACTGAGGCCCCCTCCACCACCGTCAGGTTTTCAGGCAGGGC[C>T]CAGAAGCCCCGGGGAACGGAGGCAGGAATCGCCAACTGCGCCAGGCCTGAGGACACAGCG-3'

ClinVar aggregate classification (germline): Pathogenic/Likely pathogenic. Review status: criteria provided, multiple submitters, no conflicts (2 of 4 stars). 3 submissions from 3 submitters: Pathogenic (2); Likely pathogenic (1). Last evaluated 2026-03-26.

Conditions:
Finnish congenital nephrotic syndrome (NPHS1). Also called: NEPHROTIC SYNDROME, TYPE 1. Identifiers: Orphanet 839, MedGen C0403399, MONDO:0009732, OMIM 256300.

Allele frequency attached by ClinVar (database versions not stated): gnomAD exomes below 0.00001 and 0.00001.
gnomAD v4.1: 2 of 1,613,948 alleles (0.00012%); highest among the groups gnomAD compares: Admixed American, 0.0033%; no homozygotes.

Submissions (3):

Women's Health and Genetics/Laboratory Corporation of America, LabCorp
Classification: Pathogenic for Finnish congenital nephrotic syndrome. Last evaluated: 2026-03-26. Review status: criteria provided, single submitter. Criteria: LabCorp Variant Classification Summary - May 2015. Collection method: clinical testing. Allele origin: germline.
Comment: Variant summary: NPHS1 c.105G>A (p.Trp35X) results in a premature termination codon, predicted to cause a truncation of the encoded protein or absence of the protein due to nonsense mediated decay, which are commonly known mechanisms for disease. The variant allele was found at a frequency of 8.1e-06 in 245886 control chromosomes. c.105G>A has been observed in individual(s) affected with Nephrotic Syndrome, Type 1 (Islam_2025). To our knowledge, no experimental evidence demonstrating an impact on protein function has been reported. The following publication has been ascertained in the context of this evaluation (PMID: 41339767). ClinVar contains an entry for this variant (Variation ID: 1378967). Based on the evidence outlined above, the variant was classified as pathogenic.

Baylor Genetics
Classification: Likely pathogenic for Finnish congenital nephrotic syndrome. Last evaluated: 2023-10-09. Review status: criteria provided, single submitter. Criteria: ACMG Guidelines, 2015. Collection method: clinical testing. Allele origin: unknown.

Labcorp Genetics (formerly Invitae), Labcorp
Classification: Pathogenic. Last evaluated: 2023-01-25. Review status: criteria provided, single submitter. Criteria: Invitae Variant Classification Sherloc (09022015). Collection method: clinical testing. Allele origin: germline.
Comment: For these reasons, this variant has been classified as Pathogenic. ClinVar contains an entry for this variant (Variation ID: 1378967). This variant has not been reported in the literature in individuals affected with NPHS1-related conditions. This variant is present in population databases (no rsID available, gnomAD 0.006%). This sequence change creates a premature translational stop signal (p.Trp35*) in the NPHS1 gene. It is expected to result in an absent or disrupted protein product. Loss-of-function variants in NPHS1 are known to be pathogenic (PMID: 11317351, 11854170, 12039988).

Literature cited by the submitters: PubMed 41339767 (cited by Women's Health and Genetics/Laboratory Corporation of America, LabCorp); PubMed 11317351 (cited by Labcorp Genetics (formerly Invitae), Labcorp); PubMed 11854170 (cited by Labcorp Genetics (formerly Invitae), Labcorp); PubMed 12039988 (cited by Labcorp Genetics (formerly Invitae), Labcorp).